The following is an entry in ClinVar:

ClinVar aggregate classification (germline): Likely benign. Review status: criteria provided, multiple submitters, no conflicts (2 of 4 stars). 2 submissions from 2 submitters: Likely benign (2). Last evaluated 2024-02-14.

Allele frequency attached by ClinVar (database versions not stated): gnomAD exomes 0.00001; TOPMed 0.00005; gnomAD 0.00009.
gnomAD v4.1: 40 of 1,613,944 alleles (0.0025%); highest among the groups gnomAD compares: Middle Eastern, 0.033%; 1 homozygote.

Submissions (2):

Labcorp Genetics (formerly Invitae), Labcorp
Classification: Likely benign. Last evaluated: 2024-02-14. Review status: criteria provided, single submitter. Criteria: Invitae Variant Classification Sherloc (09022015). Collection method: clinical testing. Allele origin: germline.

GeneDx
Classification: Likely benign. Last evaluated: 2016-06-01. Review status: criteria provided, single submitter. Criteria: GeneDx Variant Classification (06012015). Collection method: clinical testing. Allele origin: germline. Affected: yes.
Comment: This variant is considered likely benign or benign based on one or more of the following criteria: it is a conservative change, it occurs at a poorly conserved position in the protein, it is predicted to be benign by multiple in silico algorithms, and/or has population frequency not consistent with disease.

NM_025150.5(TARS2):c.2142C>T (p.Ala714=)

Gene: TARS2 (threonyl-tRNA synthetase 2, mitochondrial; plus strand). Cytogenetic location: 1q21.2.
Variant type: single nucleotide variant.
Coding change: c.2142C>T on transcript NM_025150.5 (MANE Select); coding-DNA position 2142, C replaced by T.
Protein change: p.Ala714=; no amino-acid change (alanine 714 retained).
Molecular consequence: synonymous variant. On other transcripts: non-coding transcript variant (2).
Genome position (GRCh38, 1-based): chr1:150,507,049, C>T. VCF-style: chr1-150507049-C-T. GRCh37 (hg19) VCF-style: chr1-150479525-C-T.
Other names: c.1896C>T, p.Ala632= (NM_001271895.2); c.1752C>T, p.Ala584= (NM_001271896.2).
Identifiers: ClinVar variation 386359 (VCV000386359.4), dbSNP rs1042740553, ClinGen allele CA16603427.